The following is an entry in ClinVar:

ClinVar aggregate classification (germline): Pathogenic (1 of 4 stars; one submission).

Conditions:
Anauxetic dysplasia. Identifiers: Orphanet 93347, MedGen C1846796, MONDO:0011773.

Submission:

Labcorp Genetics (formerly Invitae), Labcorp
Classification: Pathogenic for Anauxetic dysplasia. Last evaluated: 2022-09-07. Review status: criteria provided, single submitter. Criteria: Invitae Variant Classification Sherloc (09022015). Collection method: clinical testing. Allele origin: germline.
Comment: For these reasons, this variant has been classified as Pathogenic. While functional studies for this variant have not been reported, experimental analyses using patient derived cells, as well as in vitro transfection studies, have shown that promoter insertions result in silencing of RMRP transcription and reduced expression of the gene product (PMID: 11207361, 16254002). While this particular variant has not been reported in the literature, it is located in the promoter region between the TATA box and the transcription initiation site, and other insertions and duplications immediately upstream of the coding sequence have been reported in individuals affected with cartilage-hair hypoplasia-anauxetic dysplasia (CHH-AD) spectrum disorders (PMID: 16244706, 11207361, 12107819). This variant is not present in population databases (gnomAD no frequency). This variant occurs in the RMRP gene, which encodes an RNA molecule that does not result in a protein product.

Literature cited by the submitters: PubMed 11207361; PubMed 16254002; PubMed 16244706; PubMed 12107819.

NC_000009.12:g.35658043_35658044insCCCAGCTTCACAGAGTAGTA

Gene: RMRP (RNA component of mitochondrial RNA processing endoribonuclease; minus strand). Cytogenetic location: 9p13.3.
Variant type: Insertion.
Genome position: GRCh38 VCF-style: chr9-35658025-T-TCAGCTTCACAGAGTAGTACC. GRCh37 (hg19) VCF-style: chr9-35658022-T-TCAGCTTCACAGAGTAGTACC.
Identifiers: ClinVar variation 2123397 (VCV002123397.4), dbSNP rs1554651473, ClinGen allele CA2580080475.